The following is an entry in ClinVar:

NM_006648.4(WNK2):c.6440A>G (p.Asn2147Ser)

Gene: WNK2 (WNK lysine deficient protein kinase 2; plus strand). Cytogenetic location: 9q22.31.
Variant type: single nucleotide variant.
Coding change: c.6440A>G on transcript NM_006648.4 (MANE Select); coding-DNA position 6440, A replaced by G.
Protein change: p.Asn2147Ser; replaces asparagine 2147 with serine.
Molecular consequence: missense variant.
Genome position (GRCh38, 1-based): chr9:93,308,508, A>G. VCF-style: chr9-93308508-A-G. GRCh37 (hg19) VCF-style: chr9-96070790-A-G.
Other names: c.6551A>G, p.Asn2184Ser (NM_001282394.3); short protein forms N2147S, N2184S.
Identifiers: ClinVar variation 4844916 (VCV004844916.1).
Genomic context (GRCh38, chr9:93,308,508, plus strand): 5'-AGCTGGTGGACGAGTGGACGAGCAAGACGGTGGGGGCCGCGCAGCTGAAGCCCACGCTCA[A>G]CCAGCTGAAGCAGACCCAGAAGCTGCAAGACATGGAGGCCCAGGCAGGCTGGGCTGCCCC-3'
Protein context (NP_006639.3, residues 2137-2157): VGAAQLKPTL[Asn2147Ser]QLKQTQKLQD

ClinVar aggregate classification (germline): Uncertain significance (1 of 4 stars; one submission).

gnomAD v4.1: 3 of 1,606,312 alleles (0.00019%); highest among the groups gnomAD compares: South Asian, 0.0022%; no homozygotes.

Submission:

Ambry Genetics
Classification: Uncertain significance. Last evaluated: 2026-02-19. Review status: criteria provided, single submitter. Criteria: Ambry Variant Classification Scheme 2023. Collection method: clinical testing. Allele origin: germline.
Comment: The p.N2147S variant (also known as c.6440A>G), located in coding exon 27 of the WNK2 gene, results from an A to G substitution at nucleotide position 6440. The asparagine at codon 2147 is replaced by serine, an amino acid with highly similar properties. This amino acid position is conserved. In addition, this alteration is predicted to be tolerated by in silico analysis. Based on the available evidence, the clinical significance of this variant remains unclear.